The following is an entry in ClinVar:

ClinVar aggregate classification (germline): Uncertain significance. Review status: criteria provided, multiple submitters, no conflicts (2 of 4 stars). 3 submissions from 3 submitters: Uncertain significance (3). Last evaluated 2025-09-28.

Conditions:
Cardiovascular phenotype. Identifiers: MedGen CN230736.
Primary familial hypertrophic cardiomyopathy (HCM). Identifiers: Orphanet 99739, MedGen C0949658, MeSH D024741, MONDO:0024573. Inheritance: Various modes of inheritance.
Dilated cardiomyopathy 1AA (CMD1AA). Also called: Cardiomyopathy, dilated, 1AA, with or without LVNC; CARDIOMYOPATHY, DILATED, 1AA, WITH OR WITHOUT LEFT VENTRICULAR NONCOMPACTION; CARDIOMYOPATHY, FAMILIAL HYPERTROPHIC, 23, WITH OR WITHOUT LEFT VENTRICULAR NONCOMPACTION. Identifiers: Orphanet 154, MedGen C2677338, MONDO:0012808, OMIM 612158.

Allele frequency attached by ClinVar (database versions not stated): gnomAD 0.00001; gnomAD exomes 0.00001; TOPMed 0.00001.
gnomAD v4.1: 4 of 1,614,086 alleles (0.00025%); highest among the groups gnomAD compares: Non-Finnish European, 0.00034%; no homozygotes.

Submissions (3):

Ambry Genetics
Classification: Uncertain significance for Cardiovascular phenotype. Last evaluated: 2025-09-28. Review status: criteria provided, single submitter. Criteria: Ambry Variant Classification Scheme 2023. Collection method: clinical testing. Allele origin: germline.
Comment: The p.Y385F variant (also known as c.1154A>T), located in coding exon 11 of the ACTN2 gene, results from an A to T substitution at nucleotide position 1154. The tyrosine at codon 385 is replaced by phenylalanine, an amino acid with highly similar properties. This amino acid position is conserved. In addition, this alteration is predicted to be tolerated by in silico analysis. Based on the available evidence, the clinical significance of this variant remains unclear.

Labcorp Genetics (formerly Invitae), Labcorp
Classification: Uncertain significance for Primary familial hypertrophic cardiomyopathy; Dilated cardiomyopathy 1AA. Last evaluated: 2024-04-10. Review status: criteria provided, single submitter. Criteria: Invitae Variant Classification Sherloc (09022015). Collection method: clinical testing. Allele origin: germline.
Comment: This sequence change replaces tyrosine, which is neutral and polar, with phenylalanine, which is neutral and non-polar, at codon 385 of the ACTN2 protein (p.Tyr385Phe). This variant is not present in population databases (gnomAD no frequency). This variant has not been reported in the literature in individuals affected with ACTN2-related conditions. ClinVar contains an entry for this variant (Variation ID: 1495458). Advanced modeling of protein sequence and biophysical properties (such as structural, functional, and spatial information, amino acid conservation, physicochemical variation, residue mobility, and thermodynamic stability) performed at Invitae indicates that this missense variant is not expected to disrupt ACTN2 protein function with a negative predictive value of 80%. In summary, the available evidence is currently insufficient to determine the role of this variant in disease. Therefore, it has been classified as a Variant of Uncertain Significance.

GeneDx
Classification: Uncertain significance. Last evaluated: 2023-12-07. Review status: criteria provided, single submitter. Criteria: GeneDx Variant Classification Process June 2021. Collection method: clinical testing. Allele origin: germline. Affected: yes.
Comment: Has not been previously published as pathogenic or benign to our knowledge; Not observed at significant frequency in large population cohorts (gnomAD); In silico analysis supports that this missense variant does not alter protein structure/function

NM_001103.4(ACTN2):c.1154A>T (p.Tyr385Phe)

Gene: ACTN2 (actinin alpha 2; plus strand). Cytogenetic location: 1q43.
Variant type: single nucleotide variant.
Coding change: c.1154A>T on transcript NM_001103.4 (MANE Select); coding-DNA position 1154, A replaced by T.
Protein change: p.Tyr385Phe; replaces tyrosine 385 with phenylalanine.
Molecular consequence: missense variant.
Genome position (GRCh38, 1-based): chr1:236,742,942, A>T. VCF-style: chr1-236742942-A-T. GRCh37 (hg19) VCF-style: chr1-236906242-A-T.
Other names: c.1154A>T, p.Tyr385Phe (NM_001278343.2); c.530A>T, p.Tyr177Phe (NM_001278344.2); c.1154A>T (NM_001103.2); short protein forms Y177F, Y385F.
Identifiers: ClinVar variation 1495458 (VCV001495458.11), dbSNP rs929710704, ClinGen allele CA39729058.